The following is an entry in ClinVar:

NM_003680.4(YARS1):c.505C>T (p.Leu169=)

Gene: YARS1 (tyrosyl-tRNA synthetase 1; minus strand). Cytogenetic location: 1p35.1.
Variant type: single nucleotide variant.
Coding change: c.505C>T on transcript NM_003680.4 (MANE Select); coding-DNA position 505, C replaced by T.
Protein change: p.Leu169=; no amino-acid change (leucine 169 retained).
Molecular consequence: synonymous variant.
Genome position (GRCh38, 1-based): chr1:32,806,487, G>A on the plus strand (C>T on the coding strand, the complement: YARS1 is on the minus strand). VCF-style: chr1-32806487-G-A. GRCh37 (hg19) VCF-style: chr1-33272088-G-A.
Identifiers: ClinVar variation 696632 (VCV000696632.11), dbSNP rs149741618, ClinGen allele CA745191.
Genomic context (GRCh38, chr1:32,806,487, plus strand): 5'-TGTCATCAAACCAGAGCAGAAAAGGTCATCGGGCCACTCCATCCCCCTTAAGTACCTGCA[G>A]TCCGGGGTATAAGAGGCCACTCAGCAAAGGGTGCTCCACCTGCTTTACCACCTCAGCTCC-3'
Protein context (NP_003671.1, residues 159-179): PLLSGLLYPG[Leu169=]QALDEEYLKV

ClinVar aggregate classification (germline): Benign. Review status: criteria provided, single submitter (1 of 4 stars). 2 submissions from 2 submitters: Benign (1). 1 of the submissions does not count toward it. Last evaluated 2025-11-03.

Conditions:
YARS1-related disorder. Also called: YARS1-related condition.
Charcot-Marie-Tooth disease dominant intermediate C (CMTDIC). Also called: CHARCOT-MARIE-TOOTH NEUROPATHY, DOMINANT INTERMEDIATE C. Identifiers: Orphanet 100045, MedGen C1842237, MONDO:0012012, OMIM 608323.

Allele frequency attached by ClinVar (database versions not stated): gnomAD exomes 0.00003 and 0.00008; ExAC 0.00013; gnomAD 0.00025 and 0.00029; TOPMed 0.00028; ESP Exome Variant Server 0.00031; 1000 Genomes Project 0.00040; 1000 Genomes Project 30x 0.00062.
gnomAD v4.1: 84 of 1,614,026 alleles (0.0052%); highest among the groups gnomAD compares: African/African-American, 0.091%; no homozygotes.

Submissions (2):

Labcorp Genetics (formerly Invitae), Labcorp
Classification: Benign for Charcot-Marie-Tooth disease dominant intermediate C. Last evaluated: 2025-11-03. Review status: criteria provided, single submitter. Criteria: Invitae Variant Classification Sherloc (09022015). Collection method: clinical testing. Allele origin: germline.

PreventionGenetics, part of Exact Sciences
Classification: Likely benign for YARS1-related condition. Last evaluated: 2019-02-20. Review status: no assertion criteria provided. Collection method: clinical testing. Allele origin: germline. Not counted in ClinVar's aggregate classification.
Comment: This variant is classified as likely benign based on ACMG/AMP sequence variant interpretation guidelines (Richards et al. 2015 PMID: 25741868, with internal and published modifications).